The following is an entry in ClinVar:

ClinVar aggregate classification (germline): Likely benign. Review status: criteria provided, multiple submitters, no conflicts (2 of 4 stars). 4 submissions from 4 submitters: Likely benign (4). Last evaluated 2025-05-30.

Conditions:
ACAD9-related disorder. Also called: ACAD9-related condition.

Allele frequency attached by ClinVar (database versions not stated): gnomAD 0.00002; gnomAD exomes 0.00002 and 0.00004; TOPMed 0.00003; ExAC 0.00004; ESP Exome Variant Server 0.00008.
gnomAD v4.1: 41 of 1,614,240 alleles (0.0025%); highest among the groups gnomAD compares: East Asian, 0.013%; no homozygotes.

Submissions (4):

Labcorp Genetics (formerly Invitae), Labcorp
Classification: Likely benign. Last evaluated: 2025-05-30. Review status: criteria provided, single submitter. Criteria: Invitae Variant Classification Sherloc (09022015). Collection method: clinical testing. Allele origin: germline.

PreventionGenetics, part of Exact Sciences
Classification: Likely benign for ACAD9-related condition. Last evaluated: 2024-12-31. Review status: criteria provided, single submitter. Criteria: ACMG Guidelines, 2015. Collection method: clinical testing. Allele origin: germline.
Comment: This variant is classified as likely benign based on ACMG/AMP sequence variant interpretation guidelines (Richards et al. 2015 PMID: 25741868, with internal and published modifications).

Blueprint Genetics
Classification: Likely benign. Last evaluated: 2024-11-25. Review status: criteria provided, single submitter. Criteria: ACMG Guidelines, 2015. Collection method: clinical testing. Allele origin: germline.

GeneDx
Classification: Likely benign. Last evaluated: 2016-05-23. Review status: criteria provided, single submitter. Criteria: GeneDx Variant Classification (06012015). Collection method: clinical testing. Allele origin: germline. Affected: yes.
Comment: This variant is considered likely benign or benign based on one or more of the following criteria: it is a conservative change, it occurs at a poorly conserved position in the protein, it is predicted to be benign by multiple in silico algorithms, and/or has population frequency not consistent with disease.

NM_014049.5(ACAD9):c.675G>A (p.Val225=)

Gene: ACAD9 (acyl-CoA dehydrogenase family member 9; plus strand). Cytogenetic location: 3q21.3.
Variant type: single nucleotide variant.
Coding change: c.675G>A on transcript NM_014049.5 (MANE Select); coding-DNA position 675, G replaced by A.
Protein change: p.Val225=; no amino-acid change (valine 225 retained).
Molecular consequence: synonymous variant. On other transcripts: non-coding transcript variant (1).
Genome position (GRCh38, 1-based): chr3:128,899,328, G>A. VCF-style: chr3-128899328-G-A. GRCh37 (hg19) VCF-style: chr3-128618171-G-A.
Identifiers: ClinVar variation 386045 (VCV000386045.13), dbSNP rs150459138, ClinGen allele CA2601245.